The following is an entry in ClinVar:

ClinVar aggregate classification (germline): Pathogenic/Likely pathogenic. Review status: criteria provided, multiple submitters, no conflicts (2 of 4 stars). 11 submissions from 11 submitters: Pathogenic (5); Likely pathogenic (4). 2 of the submissions do not count toward it. Last evaluated 2025-09-17.

Conditions:
Fetal akinesia deformation sequence 2. Identifiers: MedGen C4760576, MONDO:0100102, OMIM 618388.
Congenital myasthenic syndrome (CMS). Also called: Congenital Myasthenic Syndromes. Identifiers: Orphanet 590, MedGen C0751882, MeSH D020294, MONDO:0018940.
Congenital myasthenic syndrome 11. Also called: MYASTHENIC SYNDROME, CONGENITAL, Ie; Myasthenic syndrome, congenital, 11, associated with acetylcholine receptor deficiency. Identifiers: Orphanet 590, MedGen C4225367, MONDO:0014588, OMIM 616326.
RAPSN-related disorder. Also called: RAPSN-related condition; RAPSN-related disorders. Identifiers: MedGen CN239397.
Fetal akinesia deformation sequence 1 (FADS1). Also called: Pena-Shokeir syndrome type I; Fetal akinesia sequence. Identifiers: Orphanet 994, MedGen C1276035, MONDO:0100101, OMIM 208150, HP:0001989.

Allele frequency attached by ClinVar (database versions not stated): ExAC 0.00004; TOPMed 0.00005; gnomAD 0.00006.
gnomAD v4.1: 235 of 1,613,812 alleles (0.015%); highest among the groups gnomAD compares: Non-Finnish European, 0.019%; no homozygotes.

Submissions (11):

Athena Diagnostics
Classification: Pathogenic. Last evaluated: 2025-09-17. Review status: criteria provided, single submitter. Criteria: Athena Diagnostics Criteria. Collection method: clinical testing. Allele origin: unknown.
Comment: The frequency of this variant in the general population is consistent with pathogenicity. This variant appears to segregate with disease in at least one family. Assessment of experimental evidence suggests this variant results in abnormal protein function. (PMID: 17594401)

Labcorp Genetics (formerly Invitae), Labcorp
Classification: Pathogenic for Congenital myasthenic syndrome 11; Fetal akinesia deformation sequence 1. Last evaluated: 2025-04-23. Review status: criteria provided, single submitter. Criteria: Invitae Variant Classification Sherloc (09022015). Collection method: clinical testing. Allele origin: germline.
Comment: This sequence change replaces valine, which is neutral and non-polar, with methionine, which is neutral and non-polar, at codon 45 of the RAPSN protein (p.Val45Met). This variant is present in population databases (rs121909254, gnomAD 0.007%). This missense change has been observed in individual(s) with congenital myasthenic syndrome (PMID: 19620612). In at least one individual the data is consistent with being in trans (on the opposite chromosome) from a pathogenic variant. It has also been observed to segregate with disease in related individuals. ClinVar contains an entry for this variant (Variation ID: 8055). Invitae Evidence Modeling of protein sequence and biophysical properties (such as structural, functional, and spatial information, amino acid conservation, physicochemical variation, residue mobility, and thermodynamic stability) has been performed for this missense variant. However, the output from this modeling did not meet the statistical confidence thresholds required to predict the impact of this variant on RAPSN protein function. Experimental studies have shown that this missense change affects RAPSN function (PMID: 17594401). For these reasons, this variant has been classified as Pathogenic.

Natera, Inc.
Classification: Likely pathogenic for Congenital myasthenic syndrome. Last evaluated: 2025-04-17. Review status: criteria provided, single submitter. Criteria: Natera Variant Classification Schema (03/2026). Collection method: clinical testing. Allele origin: germline.
Comment: The c.133G>A variant in RAPSN is a missense variant predicted to cause substitution of valine to methionine at amino acid 45. This variant is rare in the general population with a frequency below the threshold expected for the associated phenotype(s). This variant has been observed in one or more individuals affected with the associated recessive disease, as either homozygous or compound heterozygous with a second variant (PMID: 19620612, 22678886, 17594401). Additionally, this variant has been observed to segregate in affected family members (PMID: 19620612). Computational prediction algorithms indicate this variant is likely to affect gene or protein function. Given the available evidence, this variant is classified as Likely Pathogenic.

GeneDx
Classification: Pathogenic. Last evaluated: 2025-01-02. Review status: criteria provided, single submitter. Criteria: GeneDx Variant Classification Process June 2021. Collection method: clinical testing. Allele origin: germline. Affected: yes.
Comment: Published functional studies demonstrate a damaging effect with the V45M variant markedly decreasing the ability of rapsyn to cocluster with AChR subunits (PMID: 17594401); Not observed at significant frequency in large population cohorts (gnomAD); In silico analysis indicates that this missense variant does not alter protein structure/function; This variant is associated with the following publications: (PMID: 36815443, 35488281, 37334785, 17878953, 31981491, 28495245, 19620612, 28492532, 17594401, 34426522, 31771860, 33820833, 32906206, 38511267, 38278647)

Blueprint Genetics
Classification: Pathogenic for RAPSN-related disorders. Last evaluated: 2024-06-14. Review status: criteria provided, single submitter. Criteria: ACMG Guidelines, 2015. Collection method: clinical testing. Allele origin: germline. Affected: yes. Observed: 3 variant alleles.

Fulgent Genetics
Classification: Likely pathogenic for Congenital myasthenic syndrome 11; Fetal akinesia deformation sequence 2. Last evaluated: 2024-05-08. Review status: criteria provided, single submitter. Criteria: ACMG Guidelines, 2015. Collection method: clinical testing. Allele origin: germline.

Baylor Genetics
Classification: Likely pathogenic for Fetal akinesia deformation sequence 2. Last evaluated: 2024-03-01. Review status: criteria provided, single submitter. Criteria: ACMG Guidelines, 2015. Collection method: clinical testing. Allele origin: unknown.

Victorian Clinical Genetics Services, Murdoch Childrens Research Institute
Classification: Pathogenic for Congenital myasthenic syndrome 11. Last evaluated: 2022-02-02. Review status: criteria provided, single submitter. Criteria: ACMG Guidelines, 2015. Collection method: clinical testing. Allele origin: germline. Inheritance: Autosomal recessive inheritance. Affected: yes.
Comment: Based on the classification scheme VCGS_Germline_v1.3.4, this variant is classified as Pathogenic. Following criteria are met: 0102 - Loss of function is a known mechanism of disease in this gene and is associated with foetal akinesia deformation sequence 2 (MIM#618388) and congenital myasthenic syndrome 11 associated with acetylcholine receptor deficiency (MIM#616326). (I) 0106 - This gene is associated with autosomal recessive disease. (I) 0200 - Variant is predicted to result in a missense amino acid change from valine to methionine. (I) 0251 - This variant is heterozygous. (I) 0304 - Variant is present in gnomAD v2 <0.01 for a recessive condition (11 heterozygotes, 0 homozygotes). (SP) 0309 - An alternative amino acid change at the same position has been observed in gnomAD (v2) (1 heterozygote, 0 homozygotes). (I) 0502 - Missense variant with conflicting in silico predictions and uninformative conservation. (I) 0600 - Variant is located in the annotated N terminal myristoylation and linker region (DECIPHER). (I) 0705 - No comparable missense variants have previous evidence for pathogenicity. (I) 0801 - This variant has strong previous evidence of pathogenicity in unrelated individuals. This variant has been observed in eight individuals with RAPSN-related conditions, including one individual who was also compound heterozygous for p.(Asn88Lys) (ClinVar, PMIDs: 19620612, 17594401). (SP) 1002 - This variant has moderate functional evidence supporting abnormal protein function. Functional studies have shown that this variant decreases the ability of RAPSN to cluster with acetylcholine receptors (PMID: 17594401). (I) Legend: (SP) - Supporting pathogenic, (I) - Information, (SB) - Supporting benign

Revvity Omics, Revvity
Classification: Likely pathogenic. Last evaluated: 2020-09-29. Review status: criteria provided, single submitter. Criteria: ACMG Guidelines, 2015. Collection method: clinical testing. Allele origin: germline.

Istanbul Faculty of Medicine, Istanbul University
Classification: Pathogenic for Fetal akinesia deformation sequence 2. Last evaluated: 2022-01-10. Review status: no assertion criteria provided. Collection method: clinical testing. Allele origin: germline. Affected: yes. Observed: 2 variant alleles. Not counted in ClinVar's aggregate classification.
Comment: Lethal phenotype, identified in a sibship of two

OMIM
Classification: Pathogenic for MYASTHENIC SYNDROME, CONGENITAL, 11, ASSOCIATED WITH ACETYLCHOLINE RECEPTOR DEFICIENCY. Last evaluated: 2007-07-01. Review status: no assertion criteria provided. Collection method: literature only. Allele origin: germline. Not counted in ClinVar's aggregate classification.

Literature cited by the submitters: PubMed 17594401 (cited by 5 submitters); PubMed 19620612 (cited by 4 submitters); PubMed 17878953 (cited by Athena Diagnostics); PubMed 37334785 (cited by Athena Diagnostics); PubMed 33820833 (cited by Athena Diagnostics); PubMed 38278647 (cited by Athena Diagnostics); PubMed 22678886 (cited by Athena Diagnostics and Natera, Inc.); PubMed 38511267 (cited by Athena Diagnostics); PubMed 35488281 (cited by Athena Diagnostics).

NM_005055.5(RAPSN):c.133G>A (p.Val45Met)

Gene: RAPSN (receptor associated protein of the synapse; minus strand). Cytogenetic location: 11p11.2.
Variant type: single nucleotide variant.
Coding change: c.133G>A on transcript NM_005055.5 (MANE Select); coding-DNA position 133, G replaced by A.
Protein change: p.Val45Met; replaces valine 45 with methionine.
Molecular consequence: missense variant.
Genome position (GRCh38, 1-based): chr11:47,448,832, C>T on the plus strand (G>A on the coding strand, the complement: RAPSN is on the minus strand). VCF-style: chr11-47448832-C-T. GRCh37 (hg19) VCF-style: chr11-47470384-C-T.
Other names: c.133G>A, p.Val45Met (NM_032645.5); short protein forms V45M.
Identifiers: ClinVar variation 8055 (VCV000008055.40), dbSNP rs121909254, ClinGen allele CA119257.